The following is an entry in ClinVar:

ClinVar aggregate classification (germline): Uncertain significance. Review status: criteria provided, multiple submitters, no conflicts (2 of 4 stars). 2 submissions from 2 submitters: Uncertain significance (2). Last evaluated 2022-05-06.

Conditions:
DYRK1A-related intellectual disability syndrome (MRD7). Also called: DYRK1A Syndrome; Intellectual developmental disorder, autosomal dominant 7. Identifiers: Orphanet 464306, MedGen C5568143, MONDO:0013578, OMIM 614104.

Allele frequency attached by ClinVar (database versions not stated): gnomAD exomes below 0.00001; TOPMed below 0.00001.

Submissions (2):

Labcorp Genetics (formerly Invitae), Labcorp
Classification: Uncertain significance for DYRK1A-related intellectual disability syndrome. Last evaluated: 2022-05-06. Review status: criteria provided, single submitter. Criteria: Invitae Variant Classification Sherloc (09022015). Collection method: clinical testing. Allele origin: germline.
Comment: In summary, the available evidence is currently insufficient to determine the role of this variant in disease. Therefore, it has been classified as a Variant of Uncertain Significance. Advanced modeling of protein sequence and biophysical properties (such as structural, functional, and spatial information, amino acid conservation, physicochemical variation, residue mobility, and thermodynamic stability) performed at Invitae indicates that this missense variant is not expected to disrupt DYRK1A protein function. ClinVar contains an entry for this variant (Variation ID: 1307428). This variant has not been reported in the literature in individuals affected with DYRK1A-related conditions. This variant is present in population databases (no rsID available, gnomAD 0.0009%). This sequence change replaces proline, which is neutral and non-polar, with serine, which is neutral and polar, at codon 593 of the DYRK1A protein (p.Pro593Ser).

GeneDx
Classification: Uncertain significance. Last evaluated: 2019-08-01. Review status: criteria provided, single submitter. Criteria: GeneDx Variant Classification Process June 2021. Collection method: clinical testing. Allele origin: germline. Affected: yes.
Comment: In silico analysis, which includes protein predictors and evolutionary conservation, supports that this variant does not alter protein structure/function; Has not been previously published as pathogenic or benign to our knowledge

NM_001347721.2(DYRK1A):c.1750C>T (p.Pro584Ser)

Gene: DYRK1A (dual specificity tyrosine phosphorylation regulated kinase 1A; plus strand). Cytogenetic location: 21q22.13.
Variant type: single nucleotide variant.
Coding change: c.1750C>T on transcript NM_001347721.2 (MANE Select); coding-DNA position 1750, C replaced by T.
Protein change: p.Pro584Ser; replaces proline 584 with serine.
Molecular consequence: missense variant. On other transcripts: 3 prime UTR variant (2).
Genome position (GRCh38, 1-based): chr21:37,512,016, C>T. VCF-style: chr21-37512016-C-T. GRCh37 (hg19) VCF-style: chr21-38884319-C-T.
Other names: c.1750C>T, p.Pro584Ser (NM_001347722.2, NM_130436.2); c.1663C>T, p.Pro555Ser (NM_001347723.2); c.1777C>T, p.Pro593Ser (NM_001396.5); c.*153C>T (NM_101395.2); c.*62C>T (NM_130438.2); short protein forms P555S, P584S, P593S.
Identifiers: ClinVar variation 1307428 (VCV001307428.6), dbSNP rs1237319453, ClinGen allele CA409939492.
Genomic context (GRCh38, chr21:37,512,016, plus strand): 5'-GCTCCTACACAGGTCACTGTTGAAACTCATCCTGTTCAAGAAACAACCTTTCATGTAGCC[C>T]CTCAACAGAATGCATTGCATCATCACCATGGTAACAGTTCCCATCACCATCACCACCACC-3'
Protein context (NP_001334650.1, residues 574-594): PVQETTFHVA[Pro584Ser]QQNALHHHHG